The following is an entry in ClinVar:

ClinVar aggregate classification (germline): Pathogenic (1 of 4 stars; one submission).

Conditions:
Primary ciliary dyskinesia. Also called: Ciliary dyskinesia. Identifiers: Orphanet 244, MedGen C0008780, MONDO:0016575, HP:0012265.

Submission:

Labcorp Genetics (formerly Invitae), Labcorp
Classification: Pathogenic for Primary ciliary dyskinesia. Last evaluated: 2023-03-18. Review status: criteria provided, single submitter. Criteria: Invitae Variant Classification Sherloc (09022015). Collection method: clinical testing. Allele origin: germline.
Comment: For these reasons, this variant has been classified as Pathogenic. This variant disrupts a region of the CCNO protein in which other variant(s) (p.Gln321*) have been determined to be pathogenic (PMID: 24747639, 26139845). This suggests that this is a clinically significant region of the protein, and that variants that disrupt it are likely to be disease-causing. This variant has not been reported in the literature in individuals affected with CCNO-related conditions. This variant is not present in population databases (gnomAD no frequency). This sequence change creates a premature translational stop signal (p.Asn159Thrfs*39) in the CCNO gene. While this is not anticipated to result in nonsense mediated decay, it is expected to disrupt the last 192 amino acid(s) of the CCNO protein.

Literature cited by the submitters: PubMed 24747639; PubMed 26139845.

NM_021147.5(CCNO):c.476del (p.Asn159fs)

Gene: CCNO (cyclin O; minus strand). Cytogenetic location: 5q11.2.
Variant type: Deletion.
Coding change: c.476del on transcript NM_021147.5 (MANE Select); coding-DNA position 476, one base deleted (A; older notation c.476delA).
Protein change: p.Asn159fs; shifts the reading frame from asparagine 159.
Molecular consequence: frameshift variant. On other transcripts: non-coding transcript variant (3).
Genome position (GRCh38, 1-based): chr5:55,232,452, T deleted on the plus strand (A on the coding strand, the reverse complement: CCNO is on the minus strand); the first of 2 consecutive T bases (chr5:55,232,452-55,232,453); deleting either gives the same sequence. VCF-style (leftmost placement, unchanged base first): chr5-55232451-GT-G. GRCh37 (hg19) VCF-style: chr5-54528279-GT-G.
Other names: short protein forms N159fs.
Identifiers: ClinVar variation 2835591 (VCV002835591.3), dbSNP rs2478548428, ClinGen allele CA2739274721.